The following is an entry in ClinVar:

ClinVar aggregate classification (germline): Uncertain significance. Review status: criteria provided, multiple submitters, no conflicts (2 of 4 stars). 2 submissions from 2 submitters: Uncertain significance (2). Last evaluated 2025-05-06.

Conditions:
Inborn genetic diseases. Identifiers: MedGen C0950123, MeSH D030342.
Leber congenital amaurosis 6 (LCA6). Identifiers: Orphanet 65, MedGen C1854260, MONDO:0013446, OMIM 613826.
Cone-rod dystrophy 13 (CORD13). Identifiers: Orphanet 1872, MedGen C2750720, MONDO:0011987, OMIM 608194.

Allele frequency attached by ClinVar (database versions not stated): gnomAD exomes 0.00001 and 0.00003; TOPMed 0.00003; ExAC 0.00006.
gnomAD v4.1: 7 of 1,594,970 alleles (0.00044%); highest among the groups gnomAD compares: East Asian, 0.016%; no homozygotes.

Submissions (2):

Ambry Genetics
Classification: Uncertain significance for Inborn genetic diseases. Last evaluated: 2025-05-06. Review status: criteria provided, single submitter. Criteria: Ambry Variant Classification Scheme 2023. Collection method: clinical testing. Allele origin: germline.

Labcorp Genetics (formerly Invitae), Labcorp
Classification: Uncertain significance for Leber congenital amaurosis 6; Cone-rod dystrophy 13. Last evaluated: 2020-01-31. Review status: criteria provided, single submitter. Criteria: Invitae Variant Classification Sherloc (09022015). Collection method: clinical testing. Allele origin: germline.
Comment: In summary, the available evidence is currently insufficient to determine the role of this variant in disease. Therefore, it has been classified as a Variant of Uncertain Significance. Algorithms developed to predict the effect of missense changes on protein structure and function output the following: SIFT: "Tolerated"; PolyPhen-2: "Benign"; Align-GVGD: "Class C0". The isoleucine amino acid residue is found in multiple mammalian species, suggesting that this missense change does not adversely affect protein function. These predictions have not been confirmed by published functional studies and their clinical significance is uncertain. This variant has not been reported in the literature in individuals with RPGRIP1-related conditions. This variant is present in population databases (rs766604917, ExAC 0.09%). This sequence change replaces valine with isoleucine at codon 143 of the RPGRIP1 protein (p.Val143Ile). The valine residue is weakly conserved and there is a small physicochemical difference between valine and isoleucine.

NM_020366.4(RPGRIP1):c.427G>A (p.Val143Ile)

Gene: RPGRIP1 (RPGR interacting protein 1; plus strand). Cytogenetic location: 14q11.2.
Variant type: single nucleotide variant.
Coding change: c.427G>A on transcript NM_020366.4 (MANE Select); coding-DNA position 427, G replaced by A.
Protein change: p.Val143Ile; replaces valine 143 with isoleucine.
Molecular consequence: missense variant.
Genome position (GRCh38, 1-based): chr14:21,301,174, G>A. VCF-style: chr14-21301174-G-A. GRCh37 (hg19) VCF-style: chr14-21769333-G-A.
Other names: c.427G>A (NM_020366.3); short protein forms V143I.
Identifiers: ClinVar variation 1012007 (VCV001012007.9), dbSNP rs766604917, ClinGen allele CA7088653.